The following is an entry in ClinVar:

NM_004795.4(KL):c.2631C>T (p.Asp877=)

Gene: KL (klotho; plus strand). Cytogenetic location: 13q13.1.
Variant type: single nucleotide variant.
Coding change: c.2631C>T on transcript NM_004795.4 (MANE Select); coding-DNA position 2631, C replaced by T.
Protein change: p.Asp877=; no amino-acid change (aspartic acid 877 retained).
Molecular consequence: synonymous variant.
Genome position (GRCh38, 1-based): chr13:33,061,710, C>T. VCF-style: chr13-33061710-C-T. GRCh37 (hg19) VCF-style: chr13-33635847-C-T.
Other names: c.2631C>T (NM_004795.3).
Identifiers: ClinVar variation 2185851 (VCV002185851.5), dbSNP rs138004650, ClinGen allele CA6944345.

ClinVar aggregate classification (germline): Likely benign. Review status: criteria provided, multiple submitters, no conflicts (2 of 4 stars). 2 submissions from 2 submitters: Likely benign (2). Last evaluated 2026-05-16.

Conditions:
KL-related disorder. Also called: KL-related condition.

Allele frequency attached by ClinVar (database versions not stated): ExAC 0.00007; gnomAD exomes 0.00009; gnomAD 0.00017; TOPMed 0.00027; ESP Exome Variant Server 0.00031.
gnomAD v4.1: 168 of 1,613,652 alleles (0.01%); highest among the groups gnomAD compares: African/African-American, 0.072%; no homozygotes.

Submissions (2):

PreventionGenetics, part of Exact Sciences
Classification: Likely benign for KL-related condition. Last evaluated: 2026-05-16. Review status: criteria provided, single submitter. Criteria: ACMG Guidelines, 2015. Collection method: clinical testing. Allele origin: germline.
Comment: This variant is classified as likely benign based on ACMG/AMP sequence variant interpretation guidelines (Richards et al. 2015 PMID: 25741868, with internal and published modifications).

Labcorp Genetics (formerly Invitae), Labcorp
Classification: Likely benign. Last evaluated: 2024-07-02. Review status: criteria provided, single submitter. Criteria: Invitae Variant Classification Sherloc (09022015). Collection method: clinical testing. Allele origin: germline.